The following is an entry in ClinVar:

NM_014363.6(SACS):c.884T>A (p.Leu295Ter)

Gene: SACS (sacsin molecular chaperone; minus strand). Cytogenetic location: 13q12.12.
Variant type: single nucleotide variant.
Coding change: c.884T>A on transcript NM_014363.6 (MANE Select); coding-DNA position 884, T replaced by A.
Protein change: p.Leu295Ter; replaces leucine 295 with a stop codon.
Molecular consequence: nonsense.
Genome position (GRCh38, 1-based): chr13:23,355,728, A>T on the plus strand (T>A on the coding strand, the complement: SACS is on the minus strand). VCF-style: chr13-23355728-A-T. GRCh37 (hg19) VCF-style: chr13-23929867-A-T.
Other names: c.443T>A, p.Leu148Ter (NM_001278055.2); short protein forms L148*, L295*.
Identifiers: ClinVar variation 1724473 (VCV001724473.2), dbSNP rs2542402017, ClinGen allele CA387550928.

ClinVar aggregate classification (germline): Likely pathogenic (1 of 4 stars; one submission).

Conditions:
Charlevoix-Saguenay spastic ataxia (SACS). Also called: SPASTIC ATAXIA 6, AUTOSOMAL RECESSIVE; AUTOSOMAL RECESSIVE SPASTIC ATAXIA OF CHARLEVOIX-SAGUENAY; Spastic ataxia of Charlevoix-Saguenay. Identifiers: Orphanet 98, MedGen C1849140, MONDO:0010041, OMIM 270550.

Allele frequency attached by ClinVar (database versions not stated): gnomAD exomes below 0.00001.
gnomAD v4.1: 1 of 1,614,190 alleles (0.000062%); highest among the groups gnomAD compares: Non-Finnish European, 0.000085%; no homozygotes.

Submission:

Myriad Genetics, Inc.
Classification: Likely pathogenic for Charlevoix-Saguenay spastic ataxia. Last evaluated: 2022-02-17. Review status: criteria provided, single submitter. Criteria: Myriad Women's Health Autosomal Recessive and X-Linked Classification Criteria (2021). Collection method: clinical testing. Allele origin: unknown.
Comment: NM_014363.4(SACS):c.884T>A(L295*) is expected to be pathogenic in the context of autosomal recessive spastic ataxia of Charlevoix-Saguenay. This variant is predicted to lead to an abnormal or absent protein product due to the creation of a premature termination codon in SACS, a gene where loss-of-function variants are known to be pathogenic. Please note: this variant was assessed in the context of healthy population screening.